The following is an entry in ClinVar:

ClinVar aggregate classification (germline): Uncertain significance (1 of 4 stars; one submission).

Allele frequency attached by ClinVar (database versions not stated): gnomAD exomes below 0.00001; TOPMed below 0.00001.
gnomAD v4.1: 2 of 1,614,190 alleles (0.00012%); highest among the groups gnomAD compares: Non-Finnish European, 0.00017%; no homozygotes.

Submission:

Labcorp Genetics (formerly Invitae), Labcorp
Classification: Uncertain significance. Last evaluated: 2023-09-13. Review status: criteria provided, single submitter. Criteria: Invitae Variant Classification Sherloc (09022015). Collection method: clinical testing. Allele origin: germline.
Comment: In summary, the available evidence is currently insufficient to determine the role of this variant in disease. Therefore, it has been classified as a Variant of Uncertain Significance. An algorithm developed to predict the effect of missense changes on protein structure and function (PolyPhen-2) suggests that this variant is likely to be disruptive. This variant has not been reported in the literature in individuals affected with DMXL2-related conditions. This variant is not present in population databases (gnomAD no frequency). This sequence change replaces glycine, which is neutral and non-polar, with serine, which is neutral and polar, at codon 2806 of the DMXL2 protein (p.Gly2806Ser).

NM_001378457.1(DMXL2):c.8479G>A (p.Gly2827Ser)

Gene: DMXL2 (Dmx like 2; minus strand). Cytogenetic location: 15q21.2.
Variant type: single nucleotide variant.
Coding change: c.8479G>A on transcript NM_001378457.1 (MANE Select); coding-DNA position 8479, G replaced by A.
Protein change: p.Gly2827Ser; replaces glycine 2827 with serine.
Molecular consequence: missense variant. On other transcripts: non-coding transcript variant (2).
Genome position (GRCh38, 1-based): chr15:51,456,113, C>T on the plus strand (G>A on the coding strand, the complement: DMXL2 is on the minus strand). VCF-style: chr15-51456113-C-T. GRCh37 (hg19) VCF-style: chr15-51748310-C-T.
Other names: c.8416G>A, p.Gly2806Ser (NM_001174116.3); c.6505G>A, p.Gly2169Ser (NM_001174117.3); c.8476G>A, p.Gly2826Ser (NM_001378458.1); c.8191G>A, p.Gly2731Ser (NM_001378459.1); c.6394G>A, p.Gly2132Ser (NM_001378460.1); c.8413G>A, p.Gly2805Ser (NM_015263.5); short protein forms G2826S, G2132S, G2169S, G2731S, G2805S, G2806S, G2827S.
Identifiers: ClinVar variation 2987606 (VCV002987606.3), dbSNP rs2039596422, ClinGen allele CA392433751.